The following is an entry in ClinVar:

ClinVar aggregate classification (germline): Uncertain significance. Review status: criteria provided, multiple submitters, no conflicts (2 of 4 stars). 2 submissions from 2 submitters: Uncertain significance (2). Last evaluated 2025-06-20.

Conditions:
Inborn genetic diseases. Identifiers: MedGen C0950123, MeSH D030342.
Developmental and epileptic encephalopathy, 21 (DEE21). Also called: Early infantile epileptic encephalopathy 21. Identifiers: Orphanet 442835, MedGen C4014430, MONDO:0014360, OMIM 615833.

Allele frequency attached by ClinVar (database versions not stated): gnomAD 0.00002 and 0.00003; TOPMed 0.00002; ExAC 0.00003; gnomAD exomes 0.00003 and 0.00004; 1000 Genomes Project 30x 0.00016; 1000 Genomes Project 0.00020.
gnomAD v4.1: 51 of 1,614,122 alleles (0.0032%); highest among the groups gnomAD compares: South Asian, 0.0099%; no homozygotes.

Submissions (2):

Labcorp Genetics (formerly Invitae), Labcorp
Classification: Uncertain significance for Developmental and epileptic encephalopathy, 21. Last evaluated: 2025-06-20. Review status: criteria provided, single submitter. Criteria: Invitae Variant Classification Sherloc (09022015). Collection method: clinical testing. Allele origin: germline.
Comment: This sequence change replaces proline, which is neutral and non-polar, with leucine, which is neutral and non-polar, at codon 216 of the NECAP1 protein (p.Pro216Leu). This variant is present in population databases (rs748757462, gnomAD 0.02%). This variant has not been reported in the literature in individuals affected with NECAP1-related conditions. ClinVar contains an entry for this variant (Variation ID: 1493715). An algorithm developed to predict the effect of missense changes on protein structure and function (PolyPhen-2) suggests that this variant is likely to be tolerated. In summary, the available evidence is currently insufficient to determine the role of this variant in disease. Therefore, it has been classified as a Variant of Uncertain Significance.

Ambry Genetics
Classification: Uncertain significance for Inborn genetic diseases. Last evaluated: 2025-03-06. Review status: criteria provided, single submitter. Criteria: Ambry Variant Classification Scheme 2023. Collection method: clinical testing. Allele origin: germline.

NM_015509.4(NECAP1):c.647C>T (p.Pro216Leu)

Gene: NECAP1 (NECAP endocytosis associated 1; plus strand). Cytogenetic location: 12p13.31.
Variant type: single nucleotide variant.
Coding change: c.647C>T on transcript NM_015509.4 (MANE Select); coding-DNA position 647, C replaced by T.
Protein change: p.Pro216Leu; replaces proline 216 with leucine.
Molecular consequence: missense variant. On other transcripts: non-coding transcript variant (1).
Genome position (GRCh38, 1-based): chr12:8,093,026, C>T. VCF-style: chr12-8093026-C-T. GRCh37 (hg19) VCF-style: chr12-8245622-C-T.
Other names: c.647C>T (NM_015509.3); short protein forms P216L.
Identifiers: ClinVar variation 1493715 (VCV001493715.7), dbSNP rs748757462, ClinGen allele CA6432321.